The following is an entry in ClinVar:

NM_138638.5(CFL2):c.468T>A (p.Asn156Lys)

Gene: CFL2 (cofilin 2; minus strand). Cytogenetic location: 14q13.1.
Variant type: single nucleotide variant.
Coding change: c.468T>A on transcript NM_138638.5 (MANE Select); coding-DNA position 468, T replaced by A.
Protein change: p.Asn156Lys; replaces asparagine 156 with lysine.
Molecular consequence: missense variant. On other transcripts: non-coding transcript variant (2).
Genome position (GRCh38, 1-based): chr14:34,712,898, A>T on the plus strand (T>A on the coding strand, the complement: CFL2 is on the minus strand). VCF-style: chr14-34712898-A-T. GRCh37 (hg19) VCF-style: chr14-35182104-A-T.
Other names: c.417T>A, p.Asn139Lys (NM_001243645.2); c.468T>A, p.Asn156Lys (NM_021914.8); short protein forms N139K, N156K.
Identifiers: ClinVar variation 1204506 (VCV001204506.4), dbSNP rs1259462814, ClinGen allele CA389420872.
Genomic context (GRCh38, chr14:34,712,898, plus strand): 5'-AGATCCAGATGGCACTTGACTGTCATTTTATAATGGTTTTCCTTCAAGTGAAACTACTAC[A>T]TTGCCTCCCAATTTCTCTCCAAGTGTCGAACGGTCCTTAATATCATCCAAGCCATTTACT-3'
Protein context (NP_619579.1, residues 146-166): RSTLGEKLGG[Asn156Lys]VVVSLEGKPL

ClinVar aggregate classification (germline): Uncertain significance (1 of 4 stars; one submission).

Allele frequency attached by ClinVar (database versions not stated): gnomAD exomes 0.00001.
gnomAD v4.1: 3 of 1,603,874 alleles (0.00019%); highest among the groups gnomAD compares: Admixed American, 0.005%; no homozygotes.

Submission:

GeneDx
Classification: Uncertain significance. Last evaluated: 2024-06-25. Review status: criteria provided, single submitter. Criteria: GeneDx Variant Classification Process June 2021. Collection method: clinical testing. Allele origin: germline. Affected: yes.
Comment: Not observed at significant frequency in large population cohorts (gnomAD); In silico analysis indicates that this missense variant does not alter protein structure/function; Has not been previously published as pathogenic or benign to our knowledge